The following is an entry in ClinVar:

NM_144997.7(FLCN):c.399_405del (p.Cys134fs)

Gene: FLCN (folliculin; minus strand). Cytogenetic location: 17p11.2.
Variant type: Deletion.
Coding change: c.399_405del on transcript NM_144997.7 (MANE Select); coding-DNA positions 399 to 405, 7 bases deleted (CTGCCCT; older notation c.399_405delCTGCCCT).
Protein change: p.Cys134fs; shifts the reading frame from cysteine 134.
Molecular consequence: frameshift variant.
Genome position (GRCh38, 1-based): chr17:17,224,135-17,224,141, AGGGCAG deleted on the plus strand (CTGCCCT on the coding strand, the reverse complement: FLCN is on the minus strand); deleting any 7 consecutive bases within chr17:17,224,135-17,224,142 gives the same sequence; the c. name uses the placement nearest the transcript's 3' end. VCF-style (leftmost placement, unchanged base first): chr17-17224134-CAGGGCAG-C. GRCh37 (hg19) VCF-style: chr17-17127448-CAGGGCAG-C.
Other names: c.399_405del, p.Cys134fs (NM_001353231.2, NM_144606.7, NM_001353230.2); c.453_459del, p.Cys152fs (NM_001353229.2); c.399_405delCTGCCCT (NM_144997.5); short protein forms C134fs, C152fs.
Identifiers: ClinVar variation 3229249 (VCV003229249.1), dbSNP rs2544258497, ClinGen allele CA2825002468.

ClinVar aggregate classification (germline): Pathogenic (1 of 4 stars; one submission).

Conditions:
Hereditary cancer-predisposing syndrome. Also called: Neoplastic Syndromes, Hereditary; Tumor predisposition; Hereditary neoplastic syndrome; Hereditary Cancer Syndrome. Identifiers: Orphanet 140162, MedGen C0027672, MeSH D009386, MONDO:0015356.

Submission:

Ambry Genetics
Classification: Pathogenic for Hereditary cancer-predisposing syndrome. Last evaluated: 2024-02-07. Review status: criteria provided, single submitter. Criteria: Ambry Variant Classification Scheme 2023. Collection method: clinical testing. Allele origin: germline.
Comment: The c.399_405delCTGCCCT pathogenic mutation, located in coding exon 3 of the FLCN gene, results from a deletion of 7 nucleotides at nucleotide positions 399 to 405, causing a translational frameshift with a predicted alternate stop codon (p.C134Afs*41). This variant is considered to be rare based on population cohorts in the Genome Aggregation Database (gnomAD). This alteration is expected to result in loss of function by premature protein truncation or nonsense-mediated mRNA decay. As such, this alteration is interpreted as a disease-causing mutation.